The following is an entry in ClinVar:

ClinVar aggregate classification (germline): Benign/Likely benign. Review status: criteria provided, multiple submitters, no conflicts (2 of 4 stars). 3 submissions from 3 submitters: Benign (1); Likely benign (2). Last evaluated 2025-12-02.

Allele frequency attached by ClinVar (database versions not stated): ExAC 0.00003; gnomAD 0.00005; TOPMed 0.00006.
gnomAD v4.1: 200 of 1,613,568 alleles (0.012%); highest among the groups gnomAD compares: Non-Finnish European, 0.014%; no homozygotes.

Submissions (3):

Labcorp Genetics (formerly Invitae), Labcorp
Classification: Likely benign. Last evaluated: 2025-12-02. Review status: criteria provided, single submitter. Criteria: Invitae Variant Classification Sherloc (09022015). Collection method: clinical testing. Allele origin: germline.

Blueprint Genetics
Classification: Likely benign. Last evaluated: 2024-11-04. Review status: criteria provided, single submitter. Criteria: ACMG Guidelines, 2015. Collection method: clinical testing. Allele origin: germline.

Women's Health and Genetics/Laboratory Corporation of America, LabCorp
Classification: Benign. Last evaluated: 2023-01-07. Review status: criteria provided, single submitter. Criteria: LabCorp Variant Classification Summary - May 2015. Collection method: clinical testing. Allele origin: germline.
Comment: Variant summary: HNF1A c.327-18G>A alters a non-conserved nucleotide located close to a canonical splice site and therefore could affect mRNA splicing, leading to a significantly altered protein sequence. 4/4 computational tools predict no significant impact on normal splicing. However, these predictions have yet to be confirmed by functional studies. The variant allele was found at a frequency of 5e-05 in 281752 control chromosomes (gnomAD). The observed variant frequency is approximately 2 fold of the estimated maximal expected allele frequency for a pathogenic variant in HNF1A causing Maturity Onset Diabetes Of The Young 3 phenotype (2.5e-05), strongly suggesting that the variant is benign. To our knowledge, no occurrence of c.327-18G>A in individuals affected with Maturity Onset Diabetes Of The Young 3 and no experimental evidence demonstrating its impact on protein function have been reported. No clinical diagnostic laboratories have submitted clinical-significance assessments for this variant to ClinVar after 2014. Based on the evidence outlined above, the variant was classified as benign.

NM_000545.8(HNF1A):c.327-18G>A

Gene: HNF1A (HNF1 homeobox A; plus strand). Cytogenetic location: 12q24.31.
Variant type: single nucleotide variant.
Coding change: c.327-18G>A on transcript NM_000545.8 (MANE Select); 18 bases into the intron before coding-DNA position 327, G replaced by A.
Molecular consequence: intron variant.
Genome position (GRCh38, 1-based): chr12:120,988,815, G>A. VCF-style: chr12-120988815-G-A. GRCh37 (hg19) VCF-style: chr12-121426618-G-A.
Other names: c.327-18G>A (NM_001306179.2, NM_000545.6).
Identifiers: ClinVar variation 2141214 (VCV002141214.7), dbSNP rs757428536, ClinGen allele CA6831737.